The following is an entry in ClinVar:

ClinVar aggregate classification (germline): Uncertain significance. Review status: criteria provided, single submitter (1 of 4 stars). 2 submissions from 2 submitters: Uncertain significance (1). 1 of the submissions does not count toward it. Last evaluated 2025-05-30.

Conditions:
PHIP-related disorder. Also called: PHIP-related condition; PHIP-related disorders.

Allele frequency attached by ClinVar (database versions not stated): gnomAD 0.00001; gnomAD exomes 0.00001; ExAC 0.00003; TOPMed 0.00005.
gnomAD v4.1: 12 of 1,611,972 alleles (0.00074%); highest among the groups gnomAD compares: Admixed American, 0.013%; no homozygotes.

Submissions (2):

Labcorp Genetics (formerly Invitae), Labcorp
Classification: Uncertain significance. Last evaluated: 2025-05-30. Review status: criteria provided, single submitter. Criteria: Invitae Variant Classification Sherloc (09022015). Collection method: clinical testing. Allele origin: germline.
Comment: This sequence change replaces tyrosine, which is neutral and polar, with histidine, which is basic and polar, at codon 984 of the PHIP protein (p.Tyr984His). This variant is present in population databases (rs756170400, gnomAD 0.02%). This variant has not been reported in the literature in individuals affected with PHIP-related conditions. ClinVar contains an entry for this variant (Variation ID: 2183420). Invitae Evidence Modeling of protein sequence and biophysical properties (such as structural, functional, and spatial information, amino acid conservation, physicochemical variation, residue mobility, and thermodynamic stability) has been performed for this missense variant. However, the output from this modeling did not meet the statistical confidence thresholds required to predict the impact of this variant on PHIP protein function. In summary, the available evidence is currently insufficient to determine the role of this variant in disease. Therefore, it has been classified as a Variant of Uncertain Significance.

PreventionGenetics, part of Exact Sciences
Classification: Uncertain significance for PHIP-related condition. Last evaluated: 2024-07-17. Review status: no assertion criteria provided. Collection method: clinical testing. Allele origin: germline. Not counted in ClinVar's aggregate classification.
Comment: The PHIP c.2950T>C variant is predicted to result in the amino acid substitution p.Tyr984His. To our knowledge, this variant has not been reported in the literature. This variant is reported in 0.023% of alleles in individuals of Latino descent in gnomAD. Although we suspect that this variant may be benign, at this time, the clinical significance of this variant is uncertain due to the absence of conclusive functional and genetic evidence.

NM_017934.7(PHIP):c.2950T>C (p.Tyr984His)

Genes: IRAK1BP1 (interleukin 1 receptor associated kinase 1 binding protein 1; plus strand), PHIP (PHIP subunit of CUL4-Ring ligase complex; minus strand). Cytogenetic location: 6q14.1.
Variant type: single nucleotide variant.
Coding change: c.2950T>C on transcript NM_017934.7 (MANE Select); coding-DNA position 2950, T replaced by C.
Protein change: p.Tyr984His; replaces tyrosine 984 with histidine.
Molecular consequence: missense variant.
Genome position (GRCh38, 1-based): chr6:78,970,828, A>G on the plus strand (T>C on the coding strand, the complement: PHIP is on the minus strand). VCF-style: chr6-78970828-A-G. GRCh37 (hg19) VCF-style: chr6-79680545-A-G.
Other names: c.2950T>C (NM_017934.6); short protein forms Y984H.
Identifiers: ClinVar variation 2183420 (VCV002183420.5), dbSNP rs756170400, ClinGen allele CA3899816.